The following is an entry in ClinVar:

NM_205768.3(ZBTB18):c.1391G>A (p.Arg464His)

Gene: ZBTB18 (zinc finger and BTB domain containing 18; plus strand). Cytogenetic location: 1q44.
Variant type: single nucleotide variant.
Coding change: c.1391G>A on transcript NM_205768.3 (MANE Select); coding-DNA position 1391, G replaced by A.
Protein change: p.Arg464His; replaces arginine 464 with histidine.
Molecular consequence: missense variant.
Genome position (GRCh38, 1-based): chr1:244,055,165, G>A. VCF-style: chr1-244055165-G-A. GRCh37 (hg19) VCF-style: chr1-244218467-G-A.
Other names: c.1364G>A, p.Arg455His (NM_001278196.2, NM_006352.5); short protein forms R464H, R455H.
Identifiers: ClinVar variation 617452 (VCV000617452.10), dbSNP rs1558149913, ClinGen allele CA345675024.

ClinVar aggregate classification (germline): Pathogenic/Likely pathogenic. Review status: criteria provided, multiple submitters, no conflicts (2 of 4 stars). 7 submissions from 7 submitters: Pathogenic (5); Likely pathogenic (1). 1 of the submissions does not count toward it. Last evaluated 2025-05-10.

Conditions:
Intellectual disability. Also called: Intellectual developmental disorder; Intellectual functioning disability; intellectual disabilities. Identifiers: MedGen C3714756, MeSH D008607, MONDO:0001071, HP:0001249.
Intellectual developmental disorder, autosomal dominant 22. Also called: Intellectual disability, autosomal dominant 22. Identifiers: MedGen CN029689, MONDO:0012869, OMIM 612337.

Submissions (7):

GeneDx
Classification: Pathogenic. Last evaluated: 2025-05-10. Review status: criteria provided, single submitter. Criteria: GeneDx Variant Classification Process June 2021. Collection method: clinical testing. Allele origin: germline. Affected: yes.
Comment: Not observed at significant frequency in large population cohorts (gnomAD); In silico analysis supports that this missense variant has a deleterious effect on protein structure/function; This variant is associated with the following publications: (PMID: 27598823, 28283832, 35982159, 31785789, 29573576, 33057194, 28135719, 28191890, 38215144)

Labcorp Genetics (formerly Invitae), Labcorp
Classification: Pathogenic. Last evaluated: 2024-11-12. Review status: criteria provided, single submitter. Criteria: Invitae Variant Classification Sherloc (09022015). Collection method: clinical testing. Allele origin: germline.
Comment: This sequence change replaces arginine, which is basic and polar, with histidine, which is basic and polar, at codon 464 of the ZBTB18 protein (p.Arg464His). This variant is not present in population databases (gnomAD no frequency). This missense change has been observed in individual(s) with ZBTB18-related conditions (PMID: 29573576). In at least one individual the variant was observed to be de novo. ClinVar contains an entry for this variant (Variation ID: 617452). Invitae Evidence Modeling of protein sequence and biophysical properties (such as structural, functional, and spatial information, amino acid conservation, physicochemical variation, residue mobility, and thermodynamic stability) indicates that this missense variant is expected to disrupt ZBTB18 protein function with a positive predictive value of 95%. For these reasons, this variant has been classified as Pathogenic.

New York Genome Center
Classification: Pathogenic for Intellectual developmental disorder, autosomal dominant 22. Last evaluated: 2020-02-23. Review status: criteria provided, single submitter. Criteria: NYGC Assertion Criteria 2020. Collection method: clinical testing. Allele origin: de novo. Affected: yes. Observed: 1 heterozygote. Study: CSER-NYCKidSeq.
Comment: The c.1391G>A (p.Arg464His) variant identified in the ZBTB18 gene substitutes a completely conserved Arginine for Histidine at amino acid 455/523 (coding exon 2/2). This variant is absent from gnomAD suggesting it is not a common benign variant in the populations represented in this database. In silico algorithms predict this variant to be Deleterious (Provean; score: -3.44) and Damaging (SIFT; score: 0.001) to the function of the canonical transcript. The p.Arg464 (UniProtKB; Q99592) is in the Zinc Finger domain of the protein. This variant is reported as Pathogenic in ClinVar (VarID:617452), and a different amino acid change at the same amino acid is also reported as Pathogenic in ClinVar (p.Arg464Cys; VarID:440857). The c.1391G>A (p.Arg464His) variant identified here is reported here as Pathogenic.

Cambridge Genomics Laboratory, East Genomic Laboratory Hub, NHS Genomic Medicine Service
Classification: Pathogenic for Intellectual disability. Last evaluated: 2019-09-17. Review status: criteria provided, single submitter. Criteria: ACGS Best Practice Guidelines for Variant Classification in Rare Disease 2020. Collection method: clinical testing. Allele origin: germline. Affected: yes. Observed: 1 variant allele.

Clinical Genetics and Genomics, Karolinska University Hospital
Classification: Likely pathogenic. Last evaluated: 2016-06-30. Review status: criteria provided, single submitter. Criteria: ACMG Guidelines, 2015. Collection method: clinical testing. Allele origin: germline. Affected: yes. Observed: 1 variant allele.

Molecular Genetics Lab, CHRU Brest
Classification: Pathogenic for Intellectual developmental disorder, autosomal dominant 22. Review status: criteria provided, single submitter. Criteria: ACMG Guidelines, 2015. Collection method: clinical testing. Allele origin: de novo. Affected: yes.

OMIM
Classification: Pathogenic for INTELLECTUAL DEVELOPMENTAL DISORDER, AUTOSOMAL DOMINANT 22. Last evaluated: 2022-04-05. Review status: no assertion criteria provided. Collection method: literature only. Allele origin: germline. Not counted in ClinVar's aggregate classification.

Literature cited by the submitters: PubMed 29573576 (cited by 3 submitters); PubMed 28135719 (cited by New York Genome Center); PubMed 28283832 (cited by New York Genome Center and OMIM); PubMed 27598823 (cited by OMIM).